The following is an entry in ClinVar:

ClinVar aggregate classification (germline): Likely benign. Review status: criteria provided, multiple submitters, no conflicts (2 of 4 stars). 2 submissions from 2 submitters: Likely benign (2). Last evaluated 2026-05-01.

Allele frequency attached by ClinVar (database versions not stated): 1000 Genomes Project 0.00020; 1000 Genomes Project 30x 0.00031; gnomAD 0.00048 and 0.00052; gnomAD exomes 0.00058 and 0.00097; ExAC 0.00059; TOPMed 0.00059; ESP Exome Variant Server 0.00069.
gnomAD v4.1: 1,422 of 1,566,600 alleles (0.091%); highest among the groups gnomAD compares: Non-Finnish European, 0.12%; 4 homozygotes.

Submissions (3):

CeGaT Center for Human Genetics Tuebingen
Classification: Likely benign. Last evaluated: 2026-05-01. Review status: criteria provided, single submitter. Criteria: CeGaT Center For Human Genetics Tuebingen Variant Classification Criteria Version 2. Collection method: clinical testing. Allele origin: germline. Affected: yes. Observed: 1 variant allele.
Comment: TFAM: BP4, BS2

Labcorp Genetics (formerly Invitae), Labcorp
Classification: Likely benign. Last evaluated: 2025-10-24. Review status: criteria provided, single submitter. Criteria: Invitae Variant Classification Sherloc (09022015). Collection method: clinical testing. Allele origin: germline.

Dr. Peter K. Rogan Lab, Western University
No classification provided (evidence only). Condition: Acute myeloid leukemia. Review status: no classification provided. Collection method: in vitro. Allele origin: not applicable. Functional consequence: retained intron. Not counted in ClinVar's aggregate classification.

NM_003201.3(TFAM):c.102-7T>A

Gene: TFAM (transcription factor A, mitochondrial; plus strand). Cytogenetic location: 10q21.1.
Variant type: single nucleotide variant.
Coding change: c.102-7T>A on transcript NM_003201.3 (MANE Select); 7 bases into the intron before coding-DNA position 102, T replaced by A.
Molecular consequence: intron variant.
Genome position (GRCh38, 1-based): chr10:58,386,213, T>A. VCF-style: chr10-58386213-T-A. GRCh37 (hg19) VCF-style: chr10-60145973-T-A.
Other names: c.102-7T>A (NM_001270782.2).
Identifiers: ClinVar variation 1537200 (VCV001537200.11), dbSNP rs201289210, ClinGen allele CA5507871.